The following is an entry in ClinVar:

ClinVar aggregate classification (germline): Uncertain significance. Review status: criteria provided, multiple submitters, no conflicts (2 of 4 stars). 2 submissions from 2 submitters: Uncertain significance (2). Last evaluated 2023-11-07.

Conditions:
Inborn genetic diseases. Identifiers: MedGen C0950123, MeSH D030342.
Luscan-Lumish syndrome. Identifiers: Orphanet 597738, MedGen C4085873, MONDO:0014791, OMIM 616831.

Allele frequency attached by ClinVar (database versions not stated): gnomAD 0.00001; gnomAD exomes 0.00001 and 0.00002; ExAC 0.00002; 1000 Genomes Project 30x 0.00016; 1000 Genomes Project 0.00020.
gnomAD v4.1: 11 of 1,613,998 alleles (0.00068%); highest among the groups gnomAD compares: South Asian, 0.0088%; no homozygotes.

Submissions (2):

Ambry Genetics
Classification: Uncertain significance for Inborn genetic diseases. Last evaluated: 2023-11-07. Review status: criteria provided, single submitter. Criteria: Ambry Variant Classification Scheme 2023. Collection method: clinical testing. Allele origin: germline.

Labcorp Genetics (formerly Invitae), Labcorp
Classification: Uncertain significance for Luscan-Lumish syndrome. Last evaluated: 2020-10-27. Review status: criteria provided, single submitter. Criteria: Invitae Variant Classification Sherloc (09022015). Collection method: clinical testing. Allele origin: germline.
Comment: In summary, the available evidence is currently insufficient to determine the role of this variant in disease. Therefore, it has been classified as a Variant of Uncertain Significance. Algorithms developed to predict the effect of missense changes on protein structure and function output the following: SIFT: "Tolerated"; PolyPhen-2: "Benign"; Align-GVGD: "Class C0". The serine amino acid residue is found in multiple mammalian species, suggesting that this missense change does not adversely affect protein function. These predictions have not been confirmed by published functional studies and their clinical significance is uncertain. This variant has not been reported in the literature in individuals with SETD2-related conditions. This variant is present in population databases (rs570065365, ExAC 0.01%). This sequence change replaces asparagine with serine at codon 840 of the SETD2 protein (p.Asn840Ser). The asparagine residue is weakly conserved and there is a small physicochemical difference between asparagine and serine.

NM_014159.7(SETD2):c.2519A>G (p.Asn840Ser)

Gene: SETD2 (SET domain containing 2, histone lysine methyltransferase; minus strand). Cytogenetic location: 3p21.31.
Variant type: single nucleotide variant.
Coding change: c.2519A>G on transcript NM_014159.7 (MANE Select); coding-DNA position 2519, A replaced by G.
Protein change: p.Asn840Ser; replaces asparagine 840 with serine.
Molecular consequence: missense variant. On other transcripts: non-coding transcript variant (1).
Genome position (GRCh38, 1-based): chr3:47,122,117, T>C on the plus strand (A>G on the coding strand, the complement: SETD2 is on the minus strand). VCF-style: chr3-47122117-T-C. GRCh37 (hg19) VCF-style: chr3-47163607-T-C.
Other names: c.2387A>G, p.Asn796Ser (NM_001349370.3); c.2519A>G (NM_014159.6); short protein forms N796S, N840S.
Identifiers: ClinVar variation 1005717 (VCV001005717.6), dbSNP rs570065365, ClinGen allele CA2363523.